The following is an entry in ClinVar:

ClinVar aggregate classification (germline): Likely benign. Review status: criteria provided, multiple submitters, no conflicts (2 of 4 stars). 5 submissions from 5 submitters: Likely benign (5). Last evaluated 2026-01-27.

Conditions:
Hereditary cancer-predisposing syndrome. Also called: Tumor predisposition; Hereditary neoplastic syndrome; Neoplastic Syndromes, Hereditary; Hereditary Cancer Syndrome. Identifiers: Orphanet 140162, MedGen C0027672, MeSH D009386, MONDO:0015356.
Classic or attenuated familial adenomatous polyposis. Identifiers: MedGen CN372698, MONDO:0021057.
Familial adenomatous polyposis 1 (FAP1). Also called: FAMILIAL ADENOMATOUS POLYPOSIS 1, ATTENUATED; POLYPOSIS, ADENOMATOUS INTESTINAL. Identifiers: MedGen C2713442, MONDO:0021056, OMIM 175100. Disease mechanism: loss of function.

Allele frequency attached by ClinVar (database versions not stated): gnomAD exomes 0.00001.
gnomAD v4.1: 16 of 1,583,122 alleles (0.001%); highest among the groups gnomAD compares: Non-Finnish European, 0.0014%; no homozygotes.

Submissions (5):

Labcorp Genetics (formerly Invitae), Labcorp
Classification: Likely benign for Familial adenomatous polyposis 1. Last evaluated: 2026-01-27. Review status: criteria provided, single submitter. Criteria: Invitae Variant Classification Sherloc (09022015). Collection method: clinical testing. Allele origin: germline.

Myriad Genetics, Inc.
Classification: Likely benign for Familial adenomatous polyposis 1. Last evaluated: 2024-02-23. Review status: criteria provided, single submitter. Criteria: Myriad Autosomal Dominant, Autosomal Recessive and X-Linked Classification Criteria (2023). Collection method: clinical testing. Allele origin: unknown.
Comment: This variant is considered likely benign. This variant is intronic and is not expected to impact mRNA splicing.

All of Us Research Program, National Institutes of Health
Classification: Likely benign for Classic or attenuated familial adenomatous polyposis. Last evaluated: 2024-01-11. Review status: criteria provided, single submitter. Criteria: ACMG Guidelines, 2015. Collection method: clinical testing. Allele origin: germline. Inheritance: Autosomal dominant inheritance. Observed: 4 variant alleles, 4 heterozygotes.
Comment: This study involves interpretation of variants in research participants for the purpose of population health screening. Participant phenotype was not available at the time of variant classification. Additional details can be found in publication PMID: 35346344, PMCID: PMC8962531

GeneDx
Classification: Likely benign. Last evaluated: 2019-12-03. Review status: criteria provided, single submitter. Criteria: GeneDx Variant Classification Process June 2021. Collection method: clinical testing. Allele origin: germline. Affected: yes.

Color Diagnostics, LLC DBA Color Health
Classification: Likely benign for Hereditary cancer-predisposing syndrome. Last evaluated: 2017-07-06. Review status: criteria provided, single submitter. Criteria: ACMG Guidelines, 2015. Collection method: clinical testing. Allele origin: germline.

NM_000038.6(APC):c.532-7G>C

Gene: APC (APC regulator of Wnt signaling pathway; plus strand). Cytogenetic location: 5q22.2.
Variant type: single nucleotide variant.
Coding change: c.532-7G>C on transcript NM_000038.6 (MANE Select); 7 bases into the intron before coding-DNA position 532, G replaced by C.
Molecular consequence: intron variant.
Genome position (GRCh38, 1-based): chr5:112,780,783, G>C. VCF-style: chr5-112780783-G-C. GRCh37 (hg19) VCF-style: chr5-112116480-G-C.
Other names: c.532-7G>C (NM_001354895.2, NM_001127510.3, NM_001354896.2 and 2 more transcripts); c.562-7G>C (NM_001354897.2, NM_001354902.2, NM_001127511.3); c.457-7G>C (NM_001354898.2, NM_001354904.2); c.-504-7G>C (NM_001354906.2); c.355-7G>C (NM_001354900.2, NM_001354901.2, NM_001354905.2).
Identifiers: ClinVar variation 380375 (VCV000380375.56), dbSNP rs1057520840, ClinGen allele CA16604648.